The following is an entry in ClinVar:

ClinVar aggregate classification (germline): Uncertain significance (1 of 4 stars; one submission).

Conditions:
Cardiovascular phenotype. Identifiers: MedGen CN230736.

Allele frequency attached by ClinVar (database versions not stated): gnomAD 0.00001; TOPMed 0.00001.
gnomAD v4.1: 1 of 1,613,900 alleles (0.000062%); highest among the groups gnomAD compares: Non-Finnish European, 0.000085%; no homozygotes.

Submission:

Ambry Genetics
Classification: Uncertain significance for Cardiovascular phenotype. Last evaluated: 2022-09-13. Review status: criteria provided, single submitter. Criteria: Ambry Variant Classification Scheme 2023. Collection method: clinical testing. Allele origin: germline.
Comment: The p.K224E variant (also known as c.670A>G), located in coding exon 5 of the SCN10A gene, results from an A to G substitution at nucleotide position 670. The lysine at codon 224 is replaced by glutamic acid, an amino acid with similar properties. This amino acid position is conserved. In addition, this alteration is predicted to be deleterious by in silico analysis. Since supporting evidence is limited at this time, the clinical significance of this alteration remains unclear.

NM_006514.4(SCN10A):c.670A>G (p.Lys224Glu)

Gene: SCN10A (sodium voltage-gated channel alpha subunit 10; minus strand). Cytogenetic location: 3p22.2.
Variant type: single nucleotide variant.
Coding change: c.670A>G on transcript NM_006514.4 (MANE Select); coding-DNA position 670, A replaced by G.
Protein change: p.Lys224Glu; replaces lysine 224 with glutamic acid.
Molecular consequence: missense variant.
Genome position (GRCh38, 1-based): chr3:38,763,526, T>C on the plus strand (A>G on the coding strand, the complement: SCN10A is on the minus strand). VCF-style: chr3-38763526-T-C. GRCh37 (hg19) VCF-style: chr3-38805017-T-C.
Other names: c.670A>G, p.Lys224Glu (NM_001293306.2, NM_001293307.2); short protein forms K224E.
Identifiers: ClinVar variation 1755029 (VCV001755029.2), dbSNP rs1305821703, ClinGen allele CA352172028.